The following is an entry in ClinVar:

NM_018979.4(WNK1):c.4898C>T (p.Thr1633Ile)

Gene: WNK1 (WNK lysine deficient protein kinase 1; plus strand). Cytogenetic location: 12p13.33.
Variant type: single nucleotide variant.
Coding change: c.4898C>T on transcript NM_018979.4 (MANE Select); coding-DNA position 4898, C replaced by T.
Protein change: p.Thr1633Ile; replaces threonine 1633 with isoleucine.
Molecular consequence: missense variant.
Genome position (GRCh38, 1-based): chr12:885,702, C>T. VCF-style: chr12-885702-C-T. GRCh37 (hg19) VCF-style: chr12-994868-C-T.
Other names: c.5678C>T, p.Thr1893Ile (NM_001184985.2); c.4157C>T, p.Thr1386Ile (NM_014823.3); c.5654C>T, p.Thr1885Ile (NM_213655.5); short protein forms T1633I, T1893I, T1386I, T1885I.
Identifiers: ClinVar variation 1443813 (VCV001443813.8), dbSNP rs773820492, ClinGen allele CA383332164.

ClinVar aggregate classification (germline): Uncertain significance (1 of 4 stars; one submission).

Conditions:
Neuropathy, hereditary sensory and autonomic, type 2A (HSAN2A). Also called: ACROOSTEOLYSIS, GIACCAI TYPE; ACROOSTEOLYSIS, NEUROGENIC; MORVAN DISEASE; NEUROPATHY, CONGENITAL SENSORY; NEUROPATHY, HEREDITARY SENSORY RADICULAR, AUTOSOMAL RECESSIVE; NEUROPATHY, HEREDITARY SENSORY, TYPE IIA. Identifiers: Orphanet 970, MedGen C2752089, MONDO:0024309, OMIM 201300.
Pseudohypoaldosteronism type 2C (PHA2C). Also called: Pseudohypoaldosteronism Type IIC. Identifiers: Orphanet 757, Orphanet 88940, MedGen C1840391, MONDO:0013778, OMIM 614492.

Submission:

Labcorp Genetics (formerly Invitae), Labcorp
Classification: Uncertain significance for Neuropathy, hereditary sensory and autonomic, type 2A; Pseudohypoaldosteronism type 2C. Last evaluated: 2022-11-22. Review status: criteria provided, single submitter. Criteria: Invitae Variant Classification Sherloc (09022015). Collection method: clinical testing. Allele origin: germline.
Comment: In summary, the available evidence is currently insufficient to determine the role of this variant in disease. Therefore, it has been classified as a Variant of Uncertain Significance. Advanced modeling of protein sequence and biophysical properties (such as structural, functional, and spatial information, amino acid conservation, physicochemical variation, residue mobility, and thermodynamic stability) performed at Invitae indicates that this missense variant is not expected to disrupt WNK1 protein function. ClinVar contains an entry for this variant (Variation ID: 1443813). This variant has not been reported in the literature in individuals affected with WNK1-related conditions. This variant is not present in population databases (gnomAD no frequency). This sequence change replaces threonine, which is neutral and polar, with isoleucine, which is neutral and non-polar, at codon 1885 of the WNK1 protein (p.Thr1885Ile).